The following is an entry in ClinVar:

ClinVar aggregate classification (germline): Uncertain significance (1 of 4 stars; one submission).

Conditions:
Myofibrillar myopathy 5. Also called: FILAMINOPATHY, AUTOSOMAL DOMINANT; Filaminopathy (type). Identifiers: Orphanet 171445, MedGen C1836050, MONDO:0012289, OMIM 609524.
Distal myopathy with posterior leg and anterior hand involvement. Also called: WILLIAMS DISTAL MYOPATHY. Identifiers: Orphanet 63273, MedGen C3279722, MONDO:0013550, OMIM 614065.
Hypertrophic cardiomyopathy 26. Also called: Cardiomyopathy, familial hypertrophic, 26. Identifiers: Orphanet 75249, MedGen C4310749, MONDO:0014883, OMIM 617047.

gnomAD v4.1: 5 of 1,547,086 alleles (0.00032%); highest among the groups gnomAD compares: Middle Eastern, 0.017%; no homozygotes.

Submission:

Labcorp Genetics (formerly Invitae), Labcorp
Classification: Uncertain significance for Distal myopathy with posterior leg and anterior hand involvement; Myofibrillar myopathy 5; Hypertrophic cardiomyopathy 26. Last evaluated: 2025-03-18. Review status: criteria provided, single submitter. Criteria: Invitae Variant Classification Sherloc (09022015). Collection method: clinical testing. Allele origin: germline.
Comment: This sequence change replaces histidine, which is basic and polar, with tyrosine, which is neutral and polar, at codon 2601 of the FLNC protein (p.His2601Tyr). This variant is not present in population databases (gnomAD no frequency). This variant has not been reported in the literature in individuals affected with FLNC-related conditions. An algorithm developed to predict the effect of missense changes on protein structure and function (PolyPhen-2) suggests that this variant is likely to be disruptive. In summary, the available evidence is currently insufficient to determine the role of this variant in disease. Therefore, it has been classified as a Variant of Uncertain Significance.

NM_001458.5(FLNC):c.7801C>T (p.His2601Tyr)

Genes: FLNC-AS1 (FLNC antisense RNA 1; minus strand), FLNC (filamin C; plus strand). Cytogenetic location: 7q32.1.
Variant type: single nucleotide variant.
Coding change: c.7801C>T on transcript NM_001458.5 (MANE Select); coding-DNA position 7801, C replaced by T.
Protein change: p.His2601Tyr; replaces histidine 2601 with tyrosine.
Molecular consequence: missense variant.
Genome position (GRCh38, 1-based): chr7:128,858,028, C>T. VCF-style: chr7-128858028-C-T. GRCh37 (hg19) VCF-style: chr7-128498082-C-T.
Other names: c.7702C>T, p.His2568Tyr (NM_001127487.2); short protein forms H2568Y, H2601Y.
Identifiers: ClinVar variation 4812324 (VCV004812324.1).